The following is an entry in ClinVar:

NM_006904.7(PRKDC):c.388C>A (p.Leu130Ile)

Gene: PRKDC (protein kinase, DNA-activated, catalytic subunit; minus strand). Cytogenetic location: 8q11.21.
Variant type: single nucleotide variant.
Coding change: c.388C>A on transcript NM_006904.7 (MANE Select); coding-DNA position 388, C replaced by A.
Protein change: p.Leu130Ile; replaces leucine 130 with isoleucine.
Molecular consequence: missense variant.
Genome position (GRCh38, 1-based): chr8:47,955,885, G>T on the plus strand (C>A on the coding strand, the complement: PRKDC is on the minus strand). VCF-style: chr8-47955885-G-T. GRCh37 (hg19) VCF-style: chr8-48868445-G-T.
Other names: c.388C>A, p.Leu130Ile (NM_001081640.2); short protein forms L130I.
Identifiers: ClinVar variation 3425378 (VCV003425378.1).
Genomic context (GRCh38, chr8:47,955,885, plus strand): 5'-AAAAGTTACATGTTTAATGTAAAATACGTGTACTTAGAAACATAATTACCTTAATAAGAA[G>T]GTCCAGGGCTGGAATTTTACATTTAGCAGCTCTATCTTTTGTATAAACACTGGTACAAGT-3'
Protein context (NP_008835.5, residues 120-140): AAKCKIPALD[Leu130Ile]LIKLLQTFRS

ClinVar aggregate classification (germline): Uncertain significance (1 of 4 stars; one submission).

Submission:

Ambry Genetics
Classification: Uncertain significance. Last evaluated: 2024-10-29. Review status: criteria provided, single submitter. Criteria: Ambry Variant Classification Scheme 2023. Collection method: clinical testing. Allele origin: germline.
Comment: The p.L130I variant (also known as c.388C>A), located in coding exon 4 of the PRKDC gene, results from a C to A substitution at nucleotide position 388. The leucine at codon 130 is replaced by isoleucine, an amino acid with highly similar properties. This amino acid position is conserved. In addition, this alteration is predicted to be tolerated by in silico analysis. Based on the available evidence, the clinical significance of this variant remains unclear.